The following is an entry in ClinVar:

ClinVar aggregate classification (germline): Likely pathogenic (1 of 4 stars; one submission).

Conditions:
Holocarboxylase synthetase deficiency. Also called: MULTIPLE CARBOXYLASE DEFICIENCY, EARLY ONSET. Identifiers: Orphanet 79242, MedGen C0268581, MONDO:0009666, OMIM 253270.

Submission:

Labcorp Genetics (formerly Invitae), Labcorp
Classification: Likely pathogenic for Holocarboxylase synthetase deficiency. Last evaluated: 2022-04-28. Review status: criteria provided, single submitter. Criteria: Invitae Variant Classification Sherloc (09022015). Collection method: clinical testing. Allele origin: germline.
Comment: In summary, the currently available evidence indicates that the variant is pathogenic, but additional data are needed to prove that conclusively. Therefore, this variant has been classified as Likely Pathogenic. This sequence change replaces leucine, which is neutral and non-polar, with arginine, which is basic and polar, at codon 237 of the HLCS protein (p.Leu237Arg). This variant is not present in population databases (gnomAD no frequency). This variant has not been reported in the literature in individuals affected with HLCS-related conditions. ClinVar contains an entry for this variant (Variation ID: 658832). Advanced modeling of protein sequence and biophysical properties (such as structural, functional, and spatial information, amino acid conservation, physicochemical variation, residue mobility, and thermodynamic stability) performed at Invitae indicates that this missense variant is expected to disrupt HLCS protein function. This variant disrupts the p.Leu237 amino acid residue in HLCS. Other variant(s) that disrupt this residue have been determined to be pathogenic (PMID: 7842009, 8541348). This suggests that this residue is clinically significant, and that variants that disrupt this residue are likely to be disease-causing.

Literature cited by the submitters: PubMed 7842009; PubMed 8541348.

NM_001352514.2(HLCS):c.1151T>G (p.Leu384Arg)

Gene: HLCS (holocarboxylase synthetase; minus strand). Cytogenetic location: 21q22.13.
Variant type: single nucleotide variant.
Coding change: c.1151T>G on transcript NM_001352514.2 (MANE Select); coding-DNA position 1151, T replaced by G.
Protein change: p.Leu384Arg; replaces leucine 384 with arginine.
Molecular consequence: missense variant. On other transcripts: non-coding transcript variant (2).
Genome position (GRCh38, 1-based): chr21:36,936,735, A>C on the plus strand (T>G on the coding strand, the complement: HLCS is on the minus strand). VCF-style: chr21-36936735-A-C. GRCh37 (hg19) VCF-style: chr21-38309035-A-C.
Other names: c.710T>G, p.Leu237Arg (NM_000411.8, NM_001242784.3, NM_001242785.2 and 4 more transcripts); short protein forms L237R, L384R.
Identifiers: ClinVar variation 658832 (VCV000658832.8), dbSNP rs119103227, ClinGen allele CA409912461.